The following is an entry in ClinVar:

NM_052872.4(IL17F):c.11A>G (p.Lys4Arg)

Gene: IL17F (interleukin 17F; minus strand). Cytogenetic location: 6p12.2.
Variant type: single nucleotide variant.
Coding change: c.11A>G on transcript NM_052872.4 (MANE Select); coding-DNA position 11, A replaced by G.
Protein change: p.Lys4Arg; replaces lysine 4 with arginine.
Molecular consequence: missense variant.
Genome position (GRCh38, 1-based): chr6:52,244,419, T>C on the plus strand (A>G on the coding strand, the complement: IL17F is on the minus strand). VCF-style: chr6-52244419-T-C. GRCh37 (hg19) VCF-style: chr6-52109217-T-C.
Other names: short protein forms K4R.
Identifiers: ClinVar variation 2888105 (VCV002888105.3), dbSNP rs774716157, ClinGen allele CA3854484.

ClinVar aggregate classification (germline): Uncertain significance (1 of 4 stars; one submission).

Conditions:
Candidiasis, familial, 6 (CANDF6). Also called: Candidiasis, familial, 6, autosomal dominant. Identifiers: Orphanet 1334, MedGen C3151405, MONDO:0013503, OMIM 613956.

Allele frequency attached by ClinVar (database versions not stated): gnomAD 0.00002; gnomAD exomes 0.00002; TOPMed 0.00007; ExAC 0.00016.
gnomAD v4.1: 40 of 1,614,016 alleles (0.0025%); highest among the groups gnomAD compares: Admixed American, 0.06%; no homozygotes.

Submission:

Labcorp Genetics (formerly Invitae), Labcorp
Classification: Uncertain significance for Candidiasis, familial, 6. Last evaluated: 2025-08-31. Review status: criteria provided, single submitter. Criteria: Invitae Variant Classification Sherloc (09022015). Collection method: clinical testing. Allele origin: germline.
Comment: This sequence change replaces lysine, which is basic and polar, with arginine, which is basic and polar, at codon 4 of the IL17F protein (p.Lys4Arg). This variant is present in population databases (rs774716157, gnomAD 0.07%), and has an allele count higher than expected for a pathogenic variant. This variant has not been reported in the literature in individuals affected with IL17F-related conditions. ClinVar contains an entry for this variant (Variation ID: 2888105). An algorithm developed to predict the effect of missense changes on protein structure and function outputs the following: PolyPhen-2: "Benign". The arginine amino acid residue is found in multiple mammalian species, which suggests that this missense change does not adversely affect protein function. In summary, the available evidence is currently insufficient to determine the role of this variant in disease. Therefore, it has been classified as a Variant of Uncertain Significance.